The following is an entry in ClinVar:

ClinVar aggregate classification (germline): Likely pathogenic. Review status: criteria provided, multiple submitters, no conflicts (2 of 4 stars). 2 submissions from 2 submitters: Likely pathogenic (2). Last evaluated 2024-10-15.

Conditions:
Fanconi anemia complementation group O. Also called: RAD51C-Related Fanconi Anemia. Identifiers: Orphanet 84, MedGen C3150653, MONDO:0013248, OMIM 613390.
Breast-ovarian cancer, familial, susceptibility to, 3. Also called: RAD51C-Related Breast/Ovarian Cancer. Identifiers: Orphanet 145, MedGen C3150659, MONDO:0013253, OMIM 613399.

Submissions (2):

Labcorp Genetics (formerly Invitae), Labcorp
Classification: Likely pathogenic for Fanconi anemia complementation group O. Last evaluated: 2024-10-15. Review status: criteria provided, single submitter. Criteria: Invitae Variant Classification Sherloc (09022015). Collection method: clinical testing. Allele origin: germline.
Comment: This sequence change creates a premature translational stop signal (p.Phe315Glyfs*47) in the RAD51C gene. While this is not anticipated to result in nonsense mediated decay, it is expected to disrupt the last 62 amino acid(s) of the RAD51C protein. This variant is present in population databases (no rsID available, gnomAD 0.0009%). This variant has not been reported in the literature in individuals affected with RAD51C-related conditions. This variant disrupts the nuclear localization signal (NLS) of the RAD51C protein, which is important for proper localization and function of the RAD51C protein (PMID:12966089). While functional studies have not been performed to directly test the effect of this variant on RAD51C protein function, this suggests that disruption of this region of the protein is causative of disease. In summary, the currently available evidence indicates that the variant is pathogenic, but additional data are needed to prove that conclusively. Therefore, this variant has been classified as Likely Pathogenic.

Myriad Genetics, Inc.
Classification: Likely pathogenic for Breast-ovarian cancer, familial, susceptibility to, 3. Last evaluated: 2023-12-06. Review status: criteria provided, single submitter. Criteria: Myriad Autosomal Dominant, Autosomal Recessive and X-Linked Classification Criteria (2023). Collection method: clinical testing. Allele origin: unknown.
Comment: This variant is considered likely pathogenic. This variant creates a frameshift predicted to result in premature protein truncation.

Literature cited by the submitters: PubMed 12966089 (cited by Labcorp Genetics (formerly Invitae), Labcorp).

NM_058216.3(RAD51C):c.942_948del (p.Phe315fs)

Gene: RAD51C (RAD51 paralog C; plus strand). Cytogenetic location: 17q22.
Variant type: Deletion.
Coding change: c.942_948del on transcript NM_058216.3 (MANE Select); coding-DNA positions 942 to 948, 7 bases deleted (CTTTCAT; older notation c.942_948delCTTTCAT).
Protein change: p.Phe315fs; shifts the reading frame from phenylalanine 315.
Molecular consequence: frameshift variant. On other transcripts: non-coding transcript variant (1).
Genome position (GRCh38, 1-based): chr17:58,724,077-58,724,083, CTTTCAT deleted; deleting any 7 consecutive bases within chr17:58,724,075-58,724,083 gives the same sequence; the c. name uses the placement nearest the transcript's 3' end. VCF-style (leftmost placement, unchanged base first): chr17-58724074-AATCTTTC-A. GRCh37 (hg19) VCF-style: chr17-56801435-AATCTTTC-A.
Other names: c.*370_*376delCTTTCAT (NM_058217.1); short protein forms F315fs.
Identifiers: ClinVar variation 2673914 (VCV002673914.3), dbSNP rs1479360028, ClinGen allele CA626737565.
Genomic context (GRCh38, chr17:58,724,074, plus strand): 5'-ACAGTTATTATGTTTTTTACTCTCAGGGGAAAGTTGGGGACATGCTGCTACAATACGGCT[AATCTTTC>A]ATTGGGACCGAAAGCAAAGGTCAGTACAGAAACAAGTTAATAACTCCGAATATTGGGTTA-3'